The following is an entry in ClinVar:

ClinVar aggregate classification (germline): Uncertain significance. Review status: criteria provided, multiple submitters, no conflicts (2 of 4 stars). 4 submissions from 4 submitters: Uncertain significance (4). Last evaluated 2024-02-02.

Conditions:
Cardiovascular phenotype. Identifiers: MedGen CN230736.
Hypercholesterolemia, familial, 4 (FHCL4). Also called: HYPERCHOLESTEROLEMIA, AUTOSOMAL RECESSIVE, 1; HYPERCHOLESTEROLEMIA, AUTOSOMAL RECESSIVE, 2. Identifiers: Orphanet 391665, MedGen C1863512, MONDO:0011374, OMIM 603813.

Allele frequency attached by ClinVar (database versions not stated): gnomAD 0.00001 and 0.00002; gnomAD exomes 0.00001; ExAC 0.00002; TOPMed 0.00003; 1000 Genomes Project 30x 0.00016; 1000 Genomes Project 0.00020.
gnomAD v4.1: 14 of 1,614,186 alleles (0.00087%); highest among the groups gnomAD compares: South Asian, 0.0011%; no homozygotes.

Submissions (4):

Ambry Genetics
Classification: Uncertain significance for Cardiovascular phenotype. Last evaluated: 2024-02-02. Review status: criteria provided, single submitter. Criteria: Ambry Variant Classification Scheme 2023. Collection method: clinical testing. Allele origin: germline.
Comment: The p.S93L variant (also known as c.278C>T), located in coding exon 3 of the LDLRAP1 gene, results from a C to T substitution at nucleotide position 278. The serine at codon 93 is replaced by leucine, an amino acid with dissimilar properties. This amino acid position is well conserved in available vertebrate species. In addition, this alteration is predicted to be deleterious by in silico analysis. Since supporting evidence is limited at this time, the clinical significance of this alteration remains unclear.

Genome-Nilou Lab
Classification: Uncertain significance for Hypercholesterolemia, familial, 4. Last evaluated: 2023-04-11. Review status: criteria provided, single submitter. Criteria: ACMG Guidelines, 2015. Collection method: clinical testing. Allele origin: germline. Affected: no.

Labcorp Genetics (formerly Invitae), Labcorp
Classification: Uncertain significance for Hypercholesterolemia, familial, 4. Last evaluated: 2021-09-01. Review status: criteria provided, single submitter. Criteria: Invitae Variant Classification Sherloc (09022015). Collection method: clinical testing. Allele origin: germline.
Comment: This sequence change replaces serine with leucine at codon 93 of the LDLRAP1 protein (p.Ser93Leu). The serine residue is highly conserved and there is a large physicochemical difference between serine and leucine. This variant is present in population databases (rs559751073, ExAC 0.02%). This variant has not been reported in the literature in individuals affected with LDLRAP1-related conditions. Algorithms developed to predict the effect of missense changes on protein structure and function (SIFT, PolyPhen-2, Align-GVGD) all suggest that this variant is likely to be disruptive. In summary, the available evidence is currently insufficient to determine the role of this variant in disease. Therefore, it has been classified as a Variant of Uncertain Significance.

Mayo Clinic Laboratories, Mayo Clinic
Classification: Uncertain significance. Last evaluated: 2021-08-25. Review status: criteria provided, single submitter. Criteria: ACMG Guidelines, 2015. Collection method: clinical testing. Allele origin: germline.

NM_015627.3(LDLRAP1):c.278C>T (p.Ser93Leu)

Gene: LDLRAP1 (low density lipoprotein receptor adaptor protein 1; plus strand). Cytogenetic location: 1p36.11.
Variant type: single nucleotide variant.
Coding change: c.278C>T on transcript NM_015627.3 (MANE Select); coding-DNA position 278, C replaced by T.
Protein change: p.Ser93Leu; replaces serine 93 with leucine.
Molecular consequence: missense variant.
Genome position (GRCh38, 1-based): chr1:25,554,906, C>T. VCF-style: chr1-25554906-C-T. GRCh37 (hg19) VCF-style: chr1-25881397-C-T.
Other names: p.Ser93Leu; short protein forms S93L.
Identifiers: ClinVar variation 1477089 (VCV001477089.11), dbSNP rs559751073, ClinGen allele CA695491.